The following is an entry in ClinVar:

NM_001267550.2(TTN):c.37873G>A (p.Val12625Met)

Gene: TTN (titin; minus strand). Cytogenetic location: 2q31.2.
Variant type: single nucleotide variant.
Coding change: c.37873G>A on transcript NM_001267550.2 (MANE Select); coding-DNA position 37873, G replaced by A.
Protein change: p.Val12625Met; replaces valine 12625 with methionine.
Molecular consequence: missense variant. On other transcripts: intron variant (5).
Genome position (GRCh38, 1-based): chr2:178,657,881, C>T on the plus strand (G>A on the coding strand, the complement: TTN is on the minus strand). VCF-style: chr2-178657881-C-T. GRCh37 (hg19) VCF-style: chr2-179522608-C-T.
Other names: c.13283-15564G>A (NM_003319.4); c.13859-15564G>A (NM_133437.4); c.13658-15564G>A (NM_133432.3); c.31741+1124G>A (NM_133378.4); c.34522+1124G>A (NM_001256850.1); short protein forms V12625M.
Identifiers: ClinVar variation 809018 (VCV000809018.18), dbSNP rs1336768417, ClinGen allele CA349482063.

ClinVar aggregate classification (germline): Conflicting classifications of pathogenicity. Review status: criteria provided, conflicting classifications (1 of 4 stars). 5 submissions from 5 submitters: Uncertain significance (2); Likely benign (1). 2 of the submissions do not count toward it. Last evaluated 2026-07-20.

Conditions:
TTN-related disorder. Also called: TTN-related disorders; TTN-related condition; TTN-related disease.
Hypertrophic cardiomyopathy 9. Also called: Familial hypertrophic cardiomyopathy 9. Identifiers: MedGen C1861065, MONDO:0013412, OMIM 613765.
Autosomal recessive limb-girdle muscular dystrophy type 2J (LGMDR10). Also called: Limb-girdle muscular dystrophy, type 2J; MUSCULAR DYSTROPHY, LIMB-GIRDLE, AUTOSOMAL RECESSIVE 10. Identifiers: Orphanet 140922, MedGen C1837342, MONDO:0012127, OMIM 608807.
Myopathy, myofibrillar, 9, with early respiratory failure (MFM9). Also called: Hereditary myopathy with early respiratory failure; EDSTROM MYOPATHY; MYOPATHY, PROXIMAL, WITH EARLY RESPIRATORY MUSCLE INVOLVEMENT; Myopathy, distal, with early respiratory failure, autosomal dominant. Identifiers: Orphanet 178464, Orphanet 34521, MedGen C1863599, MONDO:0011362, OMIM 603689.
Dilated cardiomyopathy 1G (CMD1G). Identifiers: Orphanet 154, MedGen C1858763, MONDO:0011400, OMIM 604145.
Early-onset myopathy with fatal cardiomyopathy (CMYO5). Also called: Salih Myopathy; CONGENITAL MYOPATHY 5 WITH CARDIOMYOPATHY. Identifiers: Orphanet 289377, MedGen C2673677, MONDO:0012714, OMIM 611705. Disease mechanism: loss of function.
Tibial muscular dystrophy (TMD). Also called: UDD MYOPATHY; Tibial muscular dystrophy, tardive; Udd Distal Myopathy – Tibial Muscular Dystrophy. Identifiers: Orphanet 609, MedGen C1838244, MONDO:0010870, OMIM 600334.

Allele frequency attached by ClinVar (database versions not stated): gnomAD exomes 0.00005; gnomAD 0.00015; 1000 Genomes Project 30x 0.00031.

Submissions (5):

PreventionGenetics, part of Exact Sciences
Classification: Uncertain significance for TTN-related condition. Last evaluated: 2026-07-20. Review status: criteria provided, single submitter. Criteria: ACMG Guidelines, 2015. Collection method: clinical testing. Allele origin: germline.
Comment: The TTN c.37873G>A variant is predicted to result in the amino acid substitution p.Val12625Met. This variant is predicted to impact splicing based on splicing prediction programs (SpliceAI, Jaganathan K, et al. 2019. PubMed ID: 30661751). However, the use of computer prediction programs is not equivalent to functional evidence. To our knowledge, this variant has not been reported in the literature. This variant is reported in 0.048% of alleles in individuals of European (Finnish) descent in gnomAD, but has been observed as homozygous in 5 individuals. Although we suspect that this variant may be benign, at this time, the clinical significance of this variant is uncertain due to the absence of conclusive functional and genetic evidence.

Blueprint Genetics
Classification: Likely benign. Last evaluated: 2024-07-22. Review status: criteria provided, single submitter. Criteria: ACMG Guidelines, 2015. Collection method: clinical testing. Allele origin: germline.

Fulgent Genetics
Classification: Uncertain significance for Tibial muscular dystrophy; Myopathy, myofibrillar, 9, with early respiratory failure; Dilated cardiomyopathy 1G; Autosomal recessive limb-girdle muscular dystrophy type 2J; Early-onset myopathy with fatal cardiomyopathy; Hypertrophic cardiomyopathy 9. Last evaluated: 2021-09-22. Review status: criteria provided, single submitter. Criteria: ACMG Guidelines, 2015. Collection method: clinical testing. Allele origin: unknown.

Clinical Genetics DNA and cytogenetics Diagnostics Lab, Erasmus MC, Erasmus Medical Center
Classification: Uncertain significance. Review status: no assertion criteria provided. Collection method: clinical testing. Allele origin: germline. Affected: yes. Study: VKGL Data-share Consensus. Not counted in ClinVar's aggregate classification.

Diagnostic Laboratory, Department of Genetics, University Medical Center Groningen
Classification: Uncertain significance. Review status: no assertion criteria provided. Collection method: clinical testing. Allele origin: germline. Affected: yes. Study: VKGL Data-share Consensus. Not counted in ClinVar's aggregate classification.